The following is an entry in ClinVar:

ClinVar aggregate classification (germline): Uncertain significance (1 of 4 stars; one submission).

Allele frequency attached by ClinVar (database versions not stated): gnomAD 0.00003; gnomAD exomes 0.00004; TOPMed 0.00004; ExAC 0.00007.

Submission:

CeGaT Center for Human Genetics Tuebingen
Classification: Uncertain significance. Last evaluated: 2024-05-01. Review status: criteria provided, single submitter. Criteria: CeGaT Center For Human Genetics Tuebingen Variant Classification Criteria Version 2. Collection method: clinical testing. Allele origin: germline. Affected: yes. Observed: 1 variant allele.
Comment: GP1BA: PM2, BP4

NM_000173.7(GP1BA):c.1697G>A (p.Gly566Asp)

Gene: GP1BA (glycoprotein Ib platelet subunit alpha; plus strand). Cytogenetic location: 17p13.2.
Variant type: single nucleotide variant.
Coding change: c.1697G>A on transcript NM_000173.7 (MANE Select); coding-DNA position 1697, G replaced by A.
Protein change: p.Gly566Asp; replaces glycine 566 with aspartic acid.
Molecular consequence: missense variant.
Genome position (GRCh38, 1-based): chr17:4,934,301, G>A. VCF-style: chr17-4934301-G-A. GRCh37 (hg19) VCF-style: chr17-4837596-G-A.
Other names: short protein forms G566D.
Identifiers: ClinVar variation 3239104 (VCV003239104.19), dbSNP rs754934645.